The following is an entry in ClinVar:

ClinVar aggregate classification (germline): Uncertain significance (1 of 4 stars; one submission).

Submission:

Labcorp Genetics (formerly Invitae), Labcorp
Classification: Uncertain significance. Last evaluated: 2025-06-04. Review status: criteria provided, single submitter. Criteria: Invitae Variant Classification Sherloc (09022015). Collection method: clinical testing. Allele origin: germline.
Comment: This sequence change falls in intron 18 of the TUBGCP6 gene. It does not directly change the encoded amino acid sequence of the TUBGCP6 protein. It affects a nucleotide within the consensus splice site. This variant is not present in population databases (gnomAD no frequency). This variant has not been reported in the literature in individuals affected with TUBGCP6-related conditions. Variants that disrupt the consensus splice site are a relatively common cause of aberrant splicing (PMID: 17576681, 9536098). In summary, the available evidence is currently insufficient to determine the role of this variant in disease. Therefore, it has been classified as a Variant of Uncertain Significance.

Literature cited by the submitters: PubMed 17576681; PubMed 9536098.

NM_020461.4(TUBGCP6):c.4315+3_4315+20del

Gene: TUBGCP6 (tubulin gamma complex component 6; minus strand). Cytogenetic location: 22q13.33.
Variant type: Deletion.
Coding change: c.4315+3_4315+20del on transcript NM_020461.4 (MANE Select); bases 3 to 20 of the intron after coding-DNA position 4315, 18 bases deleted (GAGTGCAGCAGTTGCTGT).
Molecular consequence: splice donor variant.
Genome position (GRCh38, 1-based): chr22:50,219,624-50,219,641, ACAGCAACTGCTGCACTC deleted on the plus strand (GAGTGCAGCAGTTGCTGT on the coding strand, the reverse complement: TUBGCP6 is on the minus strand); deleting any 18 consecutive bases within chr22:50,219,624-50,219,644 gives the same sequence; the c. name uses the placement nearest the transcript's 3' end. VCF-style (leftmost placement, unchanged base first): chr22-50219623-AACAGCAACTGCTGCACTC-A. GRCh37 (hg19) VCF-style: chr22-50658052-AACAGCAACTGCTGCACTC-A.
Identifiers: ClinVar variation 4720794 (VCV004720794.1).